The following is an entry in ClinVar:

NM_153717.3(EVC):c.175-1G>C

Gene: EVC (EvC ciliary complex subunit 1; plus strand). Cytogenetic location: 4p16.2.
Variant type: single nucleotide variant.
Coding change: c.175-1G>C on transcript NM_153717.3 (MANE Select); the canonical splice acceptor site of the intron before coding-DNA position 175, G replaced by C.
Molecular consequence: splice acceptor variant.
Genome position (GRCh38, 1-based): chr4:5,719,247, G>C. VCF-style: chr4-5719247-G-C. GRCh37 (hg19) VCF-style: chr4-5720974-G-C.
Other names: c.175-1G>C (NM_001306090.2, NM_001306092.2).
Identifiers: ClinVar variation 4816927 (VCV004816927.1).

ClinVar aggregate classification (germline): Likely pathogenic (1 of 4 stars; one submission).

Conditions:
Ellis-van Creveld syndrome (EVC). Also called: Chondroectodermal dysplasia; EVC-Related Ellis-van Creveld Syndrome; EVC2-Related Ellis-van Creveld Syndrome; MESOECTODERMAL DYSPLASIA. Identifiers: Orphanet 289, MedGen C0013903, MONDO:0009162, OMIM 225500.

Submission:

Natera, Inc.
Classification: Likely pathogenic for Ellis-van Creveld syndrome. Last evaluated: 2025-06-25. Review status: criteria provided, single submitter. Criteria: Natera Variant Classification Schema (03/2026). Collection method: clinical testing. Allele origin: germline.
Comment: The c.175-1G>C variant in EVC is a canonical splice acceptor site variant predicted to affect pre-mRNA splicing, which may result in an abnormal transcript and altered protein product. This variant may result in a truncated or dysfunctional protein product. This variant is rare in the general population with a frequency below the threshold expected for the associated phenotype(s). Another variant at this same site results in an alteration predicted to cause a similar molecular effect has been observed in individual(s) with the associated phenotype. Given the available evidence, this variant is classified as Likely Pathogenic.